The following is an entry in ClinVar:

NM_152564.5(VPS13B):c.3270A>G (p.Thr1090=)

Gene: VPS13B (vacuolar protein sorting 13 homolog B; plus strand). Cytogenetic location: 8q22.2.
Variant type: single nucleotide variant.
Coding change: c.3270A>G on transcript NM_152564.5 (MANE Select); coding-DNA position 3270, A replaced by G.
Protein change: p.Thr1090=; no amino-acid change (threonine 1090 retained).
Molecular consequence: synonymous variant.
Genome position (GRCh38, 1-based): chr8:99,442,460, A>G. VCF-style: chr8-99442460-A-G. GRCh37 (hg19) VCF-style: chr8-100454688-A-G.
Other names: c.3270A>G, p.Thr1090= (NM_017890.5); c.3270A>G (NM_152564.4).
Identifiers: ClinVar variation 1083199 (VCV001083199.10), dbSNP rs1307720386, ClinGen allele CA462434828.
Genomic context (GRCh38, chr8:99,442,460, plus strand): 5'-GCTTGAAGTACAATCTTGTTGTGTGTTTATTCCAAATGATAGCCTGCCTTCCCCAAGTAC[A>G]ATTGTATCTGGTGACATTCCTGGAACAGTAAGAAGTTGGTACCATGGACAAACCAGCATG-3'
Protein context (NP_689777.3, residues 1080-1100): IPNDSLPSPS[Thr1090=]IVSGDIPGTV

ClinVar aggregate classification (germline): Likely benign. Review status: criteria provided, multiple submitters, no conflicts (2 of 4 stars). 2 submissions from 2 submitters: Likely benign (2). Last evaluated 2025-12-22.

Conditions:
VPS13B-related disorder. Also called: VPS13B-related condition.
Cohen syndrome (COH1). Also called: Cutis verticis gyrata, retinitis pigmentosa, and sensorineural deafness; PEPPER SYNDROME. Identifiers: Orphanet 193, MedGen C0265223, MONDO:0008999, OMIM 216550.

Allele frequency attached by ClinVar (database versions not stated): gnomAD 0.00001; TOPMed 0.00002.
gnomAD v4.1: 3 of 1,613,828 alleles (0.00019%); highest among the groups gnomAD compares: African/African-American, 0.0027%; no homozygotes.

Submissions (2):

PreventionGenetics, part of Exact Sciences
Classification: Likely benign for VPS13B-related condition. Last evaluated: 2025-12-22. Review status: criteria provided, single submitter. Criteria: ACMG Guidelines, 2015. Collection method: clinical testing. Allele origin: germline.
Comment: This variant is classified as likely benign based on ACMG/AMP sequence variant interpretation guidelines (Richards et al. 2015 PMID: 25741868, with internal and published modifications).

Labcorp Genetics (formerly Invitae), Labcorp
Classification: Likely benign for Cohen syndrome. Last evaluated: 2024-02-06. Review status: criteria provided, single submitter. Criteria: Invitae Variant Classification Sherloc (09022015). Collection method: clinical testing. Allele origin: germline.